The following is an entry in ClinVar:

NM_206933.4(USH2A):c.15580C>T (p.Arg5194Cys)

Gene: USH2A (usherin; minus strand). Cytogenetic location: 1q41.
Variant type: single nucleotide variant.
Coding change: c.15580C>T on transcript NM_206933.4 (MANE Select); coding-DNA position 15580, C replaced by T.
Protein change: p.Arg5194Cys; replaces arginine 5194 with cysteine.
Molecular consequence: missense variant.
Genome position (GRCh38, 1-based): chr1:215,625,810, G>A on the plus strand (C>T on the coding strand, the complement: USH2A is on the minus strand). VCF-style: chr1-215625810-G-A. GRCh37 (hg19) VCF-style: chr1-215799152-G-A.
Other names: short protein forms R5194C.
Identifiers: ClinVar variation 1217401 (VCV001217401.8), dbSNP rs751811618, ClinGen allele CA1392616.
Genomic context (GRCh38, chr1:215,625,810, plus strand): 5'-TCCAGGGTTACGTCTTCTGGGTTTCCATCCTTTACAGGTGGGTGTCTGTGAATGTGGTGC[G>A]TTCCTTAGTCACTGAGCTGAAATCCTTGATGGCGTTCATCAGGTCCTCTTCATCCACATA-3'
Protein context (NP_996816.3, residues 5184-5202): IKDFSSVTKE[Arg5194Cys]TTFTDTHL

ClinVar aggregate classification (germline): Uncertain significance. Review status: criteria provided, multiple submitters, no conflicts (2 of 4 stars). 5 submissions from 4 submitters: Uncertain significance (4). 1 of the submissions does not count toward it. Last evaluated 2024-06-20.

Conditions:
Usher syndrome type 2A. Also called: USHER SYNDROME, TYPE IIA; RETINAL DISEASE IN USHER SYNDROME TYPE IIA, MODIFIER OF. Identifiers: Orphanet 231178, Orphanet 886, MedGen C1848634, MONDO:0010169, OMIM 276901.
Retinitis pigmentosa 39 (RP39). Identifiers: Orphanet 791, MedGen C3151138, MONDO:0013436, OMIM 613809.

Allele frequency attached by ClinVar (database versions not stated): TOPMed below 0.00001; gnomAD 0.00001 and 0.00003; gnomAD exomes 0.00002 and 0.00004; ExAC 0.00006.
gnomAD v4.1: 29 of 1,613,904 alleles (0.0018%); highest among the groups gnomAD compares: South Asian, 0.019%; no homozygotes.

Submissions (5):

Labcorp Genetics (formerly Invitae), Labcorp
Classification: Uncertain significance. Last evaluated: 2024-06-20. Review status: criteria provided, single submitter. Criteria: Invitae Variant Classification Sherloc (09022015). Collection method: clinical testing. Allele origin: germline.
Comment: This sequence change replaces arginine, which is basic and polar, with cysteine, which is neutral and slightly polar, at codon 5194 of the USH2A protein (p.Arg5194Cys). This variant is present in population databases (rs751811618, gnomAD 0.02%). This variant has not been reported in the literature in individuals affected with USH2A-related conditions. ClinVar contains an entry for this variant (Variation ID: 1217401). Advanced modeling of protein sequence and biophysical properties (such as structural, functional, and spatial information, amino acid conservation, physicochemical variation, residue mobility, and thermodynamic stability) performed at Invitae indicates that this missense variant is not expected to disrupt USH2A protein function with a negative predictive value of 95%. In summary, the available evidence is currently insufficient to determine the role of this variant in disease. Therefore, it has been classified as a Variant of Uncertain Significance.

Genome-Nilou Lab
Classification: Uncertain significance for Retinitis pigmentosa 39. Last evaluated: 2023-11-04. Review status: criteria provided, single submitter. Criteria: ACMG Guidelines, 2015. Collection method: clinical testing. Allele origin: germline. Affected: no.

Genome-Nilou Lab
Classification: Uncertain significance for Usher syndrome type 2A. Last evaluated: 2023-11-04. Review status: criteria provided, single submitter. Criteria: ACMG Guidelines, 2015. Collection method: clinical testing. Allele origin: germline. Affected: no.

GeneDx
Classification: Uncertain significance. Last evaluated: 2020-11-12. Review status: criteria provided, single submitter. Criteria: GeneDx Variant Classification Process June 2021. Collection method: clinical testing. Allele origin: germline. Affected: yes.
Comment: In silico analysis supports that this missense variant does not alter protein structure/function; Has not been previously published as pathogenic or benign to our knowledge

Natera, Inc.
Classification: Uncertain significance for Usher syndrome type 2A. Last evaluated: 2021-04-09. Review status: no assertion criteria provided. Collection method: clinical testing. Allele origin: germline. Not counted in ClinVar's aggregate classification.